The following is an entry in ClinVar:

NM_018444.4(PDP1):c.-45+287G>C

Genes: PDP1 (pyruvate dehydrogenase phosphatase catalytic subunit 1; plus strand), LOC130000735 (ATAC-STARR-seq lymphoblastoid silent region 19361; plus strand). Cytogenetic location: 8q22.1.
Variant type: single nucleotide variant.
Coding change: c.-45+287G>C on transcript NM_018444.4 (MANE Select); 287 bases into the intron after 45 bases upstream of the start codon, G replaced by C.
Molecular consequence: intron variant.
Genome position (GRCh38, 1-based): chr8:93,917,366, G>C. VCF-style: chr8-93917366-G-C. GRCh37 (hg19) VCF-style: chr8-94929594-G-C.
Other names: c.-5+148G>C (NM_001161779.2); c.-45+148G>C (NM_001161781.2); c.-5+287G>C (NM_001161780.2).
Identifiers: ClinVar variation 1691141 (VCV001691141.2), dbSNP rs575978549, ClinGen allele CA181370223.

ClinVar aggregate classification (germline): Likely benign (1 of 4 stars; one submission).

Allele frequency attached by ClinVar (database versions not stated): gnomAD 0.00637 and 0.00674; TOPMed 0.00714; 1000 Genomes Project 30x 0.00828; 1000 Genomes Project 0.00839.

Submission:

GeneDx
Classification: Likely benign. Last evaluated: 2021-12-01. Review status: criteria provided, single submitter. Criteria: GeneDx Variant Classification Process June 2021. Collection method: clinical testing. Allele origin: germline. Affected: yes.
Comment: See Variant Classification Assertion Criteria.